The following is an entry in ClinVar:

ClinVar aggregate classification (germline): Uncertain significance (1 of 4 stars; one submission).

Conditions:
BBS5-related disorder. Also called: BBS5-related condition.

gnomAD v4.1: 3 of 1,607,140 alleles (0.00019%); highest among the groups gnomAD compares: Non-Finnish European, 0.00026%; no homozygotes.

Submission:

PreventionGenetics, part of Exact Sciences
Classification: Uncertain significance for BBS5-related condition. Last evaluated: 2025-02-28. Review status: criteria provided, single submitter. Criteria: ACMG Guidelines, 2015. Collection method: clinical testing. Allele origin: germline.
Comment: The BBS5 c.201C>T variant is not predicted to result in an amino acid change (p.=). This variant is predicted to impact splicing based on one available splicing prediction algorithm (SpliceAI, Jaganathan et al. 2019. PubMed ID: 30661751). To our knowledge, this variant has not been reported in the literature or in a large population database (gnomAD), indicating this variant is rare. At this time, the clinical significance of this variant is uncertain due to the absence of conclusive functional and genetic evidence.

NM_152384.3(BBS5):c.201C>T (p.Val67=)

Gene: BBS5 (Bardet-Biedl syndrome 5; plus strand). Cytogenetic location: 2q31.1.
Variant type: single nucleotide variant.
Coding change: c.201C>T on transcript NM_152384.3 (MANE Select); coding-DNA position 201, C replaced by T.
Protein change: p.Val67=; no amino-acid change (valine 67 retained).
Molecular consequence: synonymous variant.
Genome position (GRCh38, 1-based): chr2:169,487,127, C>T. VCF-style: chr2-169487127-C-T. GRCh37 (hg19) VCF-style: chr2-170343637-C-T.
Identifiers: ClinVar variation 5002431 (VCV005002431.1).